The following is an entry in ClinVar:

ClinVar aggregate classification (germline): Likely benign (1 of 4 stars; one submission).

gnomAD v4.1: 19 of 1,612,874 alleles (0.0012%); highest among the groups gnomAD compares: Admixed American, 0.032%; no homozygotes.

Submission:

CeGaT Center for Human Genetics Tuebingen
Classification: Likely benign. Last evaluated: 2026-04-01. Review status: criteria provided, single submitter. Criteria: CeGaT Center For Human Genetics Tuebingen Variant Classification Criteria Version 2. Collection method: clinical testing. Allele origin: germline. Affected: yes. Observed: 1 variant allele.
Comment: NARS1: BP4, BP7

NM_004539.4(NARS1):c.1212T>C (p.Asp404=)

Gene: NARS1 (asparaginyl-tRNA synthetase 1; minus strand). Cytogenetic location: 18q21.31.
Variant type: single nucleotide variant.
Coding change: c.1212T>C on transcript NM_004539.4 (MANE Select); coding-DNA position 1212, T replaced by C.
Protein change: p.Asp404=; no amino-acid change (aspartic acid 404 retained).
Molecular consequence: synonymous variant.
Genome position (GRCh38, 1-based): chr18:57,605,896, A>G on the plus strand (T>C on the coding strand, the complement: NARS1 is on the minus strand). VCF-style: chr18-57605896-A-G. GRCh37 (hg19) VCF-style: chr18-55273128-A-G.
Identifiers: ClinVar variation 4874490 (VCV004874490.2).